The following is an entry in ClinVar:

ClinVar aggregate classification (germline): Uncertain significance (1 of 4 stars; one submission).

Submission:

Labcorp Genetics (formerly Invitae), Labcorp
Classification: Uncertain significance. Last evaluated: 2024-10-21. Review status: criteria provided, single submitter. Criteria: Invitae Variant Classification Sherloc (09022015). Collection method: clinical testing. Allele origin: germline.
Comment: This sequence change replaces threonine, which is neutral and polar, with serine, which is neutral and polar, at codon 780 of the DSG1 protein (p.Thr780Ser). This variant is not present in population databases (gnomAD no frequency). This variant has not been reported in the literature in individuals affected with DSG1-related conditions. Invitae Evidence Modeling of protein sequence and biophysical properties (such as structural, functional, and spatial information, amino acid conservation, physicochemical variation, residue mobility, and thermodynamic stability) indicates that this missense variant is not expected to disrupt DSG1 protein function with a negative predictive value of 80%. In summary, the available evidence is currently insufficient to determine the role of this variant in disease. Therefore, it has been classified as a Variant of Uncertain Significance.

NM_001942.4(DSG1):c.2339C>G (p.Thr780Ser)

Genes: DSG1 (desmoglein 1; plus strand), DSG1-AS1 (DSG1 antisense RNA 1; minus strand), LOC126862720 (MED14-independent group 3 enhancer GRCh37_chr18:28933613-28934812; plus strand). Cytogenetic location: 18q12.1.
Variant type: single nucleotide variant.
Coding change: c.2339C>G on transcript NM_001942.4 (MANE Select); coding-DNA position 2339, C replaced by G.
Protein change: p.Thr780Ser; replaces threonine 780 with serine.
Molecular consequence: missense variant.
Genome position (GRCh38, 1-based): chr18:31,354,535, C>G. VCF-style: chr18-31354535-C-G. GRCh37 (hg19) VCF-style: chr18-28934498-C-G.
Other names: short protein forms T780S.
Identifiers: ClinVar variation 3632565 (VCV003632565.2).
Genomic context (GRCh38, chr18:31,354,535, plus strand): 5'-ACATCAGCCTAGGAAAAGAATCATATCCAGACCTTGATCCTTCTTGGCCACCACAAAGCA[C>G]TGAACCAGTTTGCCTTCCTCAGGAAACAGAGCCCGTTGTTAGTGGACACCCACCAATCTC-3'
Protein context (NP_001933.2, residues 770-790): DLDPSWPPQS[Thr780Ser]EPVCLPQETE